The following is an entry in ClinVar:

ClinVar aggregate classification (germline): Uncertain significance (1 of 4 stars; one submission).

Submission:

Labcorp Genetics (formerly Invitae), Labcorp
Classification: Uncertain significance. Last evaluated: 2023-10-19. Review status: criteria provided, single submitter. Criteria: Invitae Variant Classification Sherloc (09022015). Collection method: clinical testing. Allele origin: germline.
Comment: This sequence change replaces leucine, which is neutral and non-polar, with valine, which is neutral and non-polar, at codon 2777 of the SRCAP protein (p.Leu2777Val). This variant is present in population databases (rs759430147, gnomAD 0.01%). This variant has not been reported in the literature in individuals affected with SRCAP-related conditions. Advanced modeling of protein sequence and biophysical properties (such as structural, functional, and spatial information, amino acid conservation, physicochemical variation, residue mobility, and thermodynamic stability) performed at Invitae indicates that this missense variant is not expected to disrupt SRCAP protein function. In summary, the available evidence is currently insufficient to determine the role of this variant in disease. Therefore, it has been classified as a Variant of Uncertain Significance.

NM_006662.3(SRCAP):c.8329C>G (p.Leu2777Val)

Gene: SRCAP (Snf2 related CREBBP activator protein; plus strand). Cytogenetic location: 16p11.2.
Variant type: single nucleotide variant.
Coding change: c.8329C>G on transcript NM_006662.3 (MANE Select); coding-DNA position 8329, C replaced by G.
Protein change: p.Leu2777Val; replaces leucine 2777 with valine.
Molecular consequence: missense variant.
Genome position (GRCh38, 1-based): chr16:30,738,369, C>G. VCF-style: chr16-30738369-C-G. GRCh37 (hg19) VCF-style: chr16-30749690-C-G.
Other names: short protein forms L2777V.
Identifiers: ClinVar variation 2778936 (VCV002778936.3), dbSNP rs759430147, ClinGen allele CA8012663.
Genomic context (GRCh38, chr16:30,738,369, plus strand): 5'-GTGGTAGAGGAAAAGGAACTGGTGCGGCGGCGGCGGCAGCAGCGGGGAGCTGCCAGCACC[C>G]TAGTGCCTGGGGTCTCTGAGACTAGTGCCAGCCCGGGAAGCCCGTCTGTCCGCAGCATGT-3'
Protein context (NP_006653.2, residues 2767-2787): RRQQRGAAST[Leu2777Val]VPGVSETSAS